The following is an entry in ClinVar:

NM_203288.2(RP9):c.417T>G (p.Asp139Glu)

Gene: RP9 (RP9 pre-mRNA splicing factor; minus strand). Cytogenetic location: 7p14.3.
Variant type: single nucleotide variant.
Coding change: c.417T>G on transcript NM_203288.2 (MANE Select); coding-DNA position 417, T replaced by G.
Protein change: p.Asp139Glu; replaces aspartic acid 139 with glutamic acid.
Molecular consequence: missense variant.
Genome position (GRCh38, 1-based): chr7:33,096,543, A>C on the plus strand (T>G on the coding strand, the complement: RP9 is on the minus strand). VCF-style: chr7-33096543-A-C. GRCh37 (hg19) VCF-style: chr7-33136155-A-C.
Other names: short protein forms D139E.
Identifiers: ClinVar variation 3645045 (VCV003645045.2).
Genomic context (GRCh38, chr7:33,096,543, plus strand): 5'-ACGACCTCACCTTACGTCCTTTTCATGTCGTTTATTGTCTCGTATGATGTCATACATGGG[A>C]TCTTCATGTGCCTTAAGGGTCAGAGAAGGTTAAGGTTTGGTTAGGCTTCATGGATCACAA-3'
Protein context (NP_976033.1, residues 129-149): KLEQFRVAHE[Asp139Glu]PMYDIIRDNK

ClinVar aggregate classification (germline): Uncertain significance (1 of 4 stars; one submission).

Submission:

Labcorp Genetics (formerly Invitae), Labcorp
Classification: Uncertain significance. Last evaluated: 2024-03-07. Review status: criteria provided, single submitter. Criteria: Invitae Variant Classification Sherloc (09022015). Collection method: clinical testing. Allele origin: germline.
Comment: This sequence change replaces aspartic acid, which is acidic and polar, with glutamic acid, which is acidic and polar, at codon 139 of the RP9 protein (p.Asp139Glu). This variant is not present in population databases (gnomAD no frequency). This variant has not been reported in the literature in individuals affected with RP9-related conditions. An algorithm developed to predict the effect of missense changes on protein structure and function (PolyPhen-2) suggests that this variant is likely to be tolerated. In summary, the available evidence is currently insufficient to determine the role of this variant in disease. Therefore, it has been classified as a Variant of Uncertain Significance.